The following is an entry in ClinVar:

ClinVar aggregate classification (germline): Likely benign. Review status: criteria provided, multiple submitters, no conflicts (2 of 4 stars). 3 submissions from 3 submitters: Likely benign (3). Last evaluated 2026-01-27.

Allele frequency attached by ClinVar (database versions not stated): ESP Exome Variant Server 0.00062; 1000 Genomes Project 30x 0.00016; 1000 Genomes Project 0.00020; gnomAD 0.00037 and 0.00038; ExAC 0.00039; gnomAD exomes 0.00039 and 0.00040; TOPMed 0.00040.
gnomAD v4.1: 635 of 1,608,154 alleles (0.039%); highest among the groups gnomAD compares: Middle Eastern, 0.053%; no homozygotes.

Submissions (3):

Labcorp Genetics (formerly Invitae), Labcorp
Classification: Likely benign. Last evaluated: 2026-01-27. Review status: criteria provided, single submitter. Criteria: Invitae Variant Classification Sherloc (09022015). Collection method: clinical testing. Allele origin: germline.

CeGaT Center for Human Genetics Tuebingen
Classification: Likely benign. Last evaluated: 2025-12-01. Review status: criteria provided, single submitter. Criteria: CeGaT Center For Human Genetics Tuebingen Variant Classification Criteria Version 2. Collection method: clinical testing. Allele origin: germline. Affected: yes. Observed: 2 variant alleles.
Comment: ADAMTS17: BP4, BP7

Blueprint Genetics
Classification: Likely benign. Last evaluated: 2024-11-26. Review status: criteria provided, single submitter. Criteria: ACMG Guidelines, 2015. Collection method: clinical testing. Allele origin: germline.

NM_139057.4(ADAMTS17):c.744C>T (p.His248=)

Gene: ADAMTS17 (ADAM metallopeptidase with thrombospondin type 1 motif 17; minus strand). Cytogenetic location: 15q26.3.
Variant type: single nucleotide variant.
Coding change: c.744C>T on transcript NM_139057.4 (MANE Select); coding-DNA position 744, C replaced by T.
Protein change: p.His248=; no amino-acid change (histidine 248 retained).
Molecular consequence: synonymous variant.
Genome position (GRCh38, 1-based): chr15:100,281,274, G>A on the plus strand (C>T on the coding strand, the complement: ADAMTS17 is on the minus strand). VCF-style: chr15-100281274-G-A. GRCh37 (hg19) VCF-style: chr15-100821479-G-A.
Identifiers: ClinVar variation 1567975 (VCV001567975.32), dbSNP rs140918730, ClinGen allele CA7758591.